The following is an entry in ClinVar:

ClinVar aggregate classification (germline): Benign. Review status: criteria provided, single submitter (1 of 4 stars). 2 submissions from 2 submitters: Benign (1). 1 of the submissions does not count toward it. Last evaluated 2025-11-03.

Conditions:
PHIP-related disorder. Also called: PHIP-related condition; PHIP-related disorders.

Allele frequency attached by ClinVar (database versions not stated): ExAC 0.00011; gnomAD 0.00013; ESP Exome Variant Server 0.00015; TOPMed 0.00015; gnomAD exomes 0.00022.
gnomAD v4.1: 338 of 1,613,020 alleles (0.021%); highest among the groups gnomAD compares: Non-Finnish European, 0.027%; no homozygotes.

Submissions (2):

Labcorp Genetics (formerly Invitae), Labcorp
Classification: Benign. Last evaluated: 2025-11-03. Review status: criteria provided, single submitter. Criteria: Invitae Variant Classification Sherloc (09022015). Collection method: clinical testing. Allele origin: germline.

PreventionGenetics, part of Exact Sciences
Classification: Likely benign for PHIP-related condition. Last evaluated: 2021-09-10. Review status: no assertion criteria provided. Collection method: clinical testing. Allele origin: germline. Not counted in ClinVar's aggregate classification.
Comment: This variant is classified as likely benign based on ACMG/AMP sequence variant interpretation guidelines (Richards et al. 2015 PMID: 25741868, with internal and published modifications).

NM_017934.7(PHIP):c.2201+6G>A

Gene: PHIP (PHIP subunit of CUL4-Ring ligase complex; minus strand). Cytogenetic location: 6q14.1.
Variant type: single nucleotide variant.
Coding change: c.2201+6G>A on transcript NM_017934.7 (MANE Select); 6 bases into the intron after coding-DNA position 2201, G replaced by A.
Molecular consequence: intron variant.
Genome position (GRCh38, 1-based): chr6:78,997,408, C>T on the plus strand (G>A on the coding strand, the complement: PHIP is on the minus strand). VCF-style: chr6-78997408-C-T. GRCh37 (hg19) VCF-style: chr6-79707125-C-T.
Other names: c.2201+6G>A (NM_017934.6).
Identifiers: ClinVar variation 2050477 (VCV002050477.6), dbSNP rs375694250, ClinGen allele CA3900015.